The following is an entry in ClinVar:

NM_001165963.4(SCN1A):c.2589+1G>T

Gene: SCN1A (sodium voltage-gated channel alpha subunit 1; minus strand). Cytogenetic location: 2q24.3.
Variant type: single nucleotide variant.
Coding change: c.2589+1G>T on transcript NM_001165963.4 (MANE Select); the canonical splice donor site of the intron after coding-DNA position 2589, G replaced by T.
Molecular consequence: splice donor variant.
Genome position (GRCh38, 1-based): chr2:166,039,422, C>A on the plus strand (G>T on the coding strand, the complement: SCN1A is on the minus strand). VCF-style: chr2-166039422-C-A. GRCh37 (hg19) VCF-style: chr2-166895932-C-A.
Other names: c.2556+1G>T (NM_001353949.2, NM_001353950.2, NM_001353951.2 and 2 more transcripts); c.2505+1G>T (NM_001353958.2, NM_001353957.2, NM_001165964.3); c.2589+1G>T (NM_001202435.3, NM_001353948.2); c.2553+1G>T (NM_001353955.2, NM_001353954.2); c.2502+1G>T (NM_001353960.2); c.147+1G>T (NM_001353961.2).
Identifiers: ClinVar variation 372551 (VCV000372551.7), dbSNP rs1057517849, ClinGen allele CA16042367.

ClinVar aggregate classification (germline): Pathogenic. Review status: criteria provided, multiple submitters, no conflicts (2 of 4 stars). 3 submissions from 3 submitters: Pathogenic (3). Last evaluated 2025-04-08.

Conditions:
Early-infantile DEE. Also called: Early infantile epileptic encephalopathy; Early infantile epileptic encephalopathy with suppression bursts; Ohtahara syndrome. Identifiers: Orphanet 1934, MedGen C0393706, MONDO:0800491.
Generalized epilepsy with febrile seizures plus, type 2 (GEFSP2). Also called: GEFS+, TYPE 2. Identifiers: Orphanet 36387, MedGen C1858673, MONDO:0011461, OMIM 604403.

Submissions (3):

Labcorp Genetics (formerly Invitae), Labcorp
Classification: Pathogenic for Early-infantile DEE. Last evaluated: 2025-04-08. Review status: criteria provided, single submitter. Criteria: Invitae Variant Classification Sherloc (09022015). Collection method: clinical testing. Allele origin: germline.
Comment: This sequence change affects a donor splice site in intron 14 of the SCN1A gene. It is expected to disrupt RNA splicing. Variants that disrupt the donor or acceptor splice site typically lead to a loss of protein function (PMID: 16199547), and loss-of-function variants in SCN1A are known to be pathogenic (PMID: 17347258, 18930999). This variant is not present in population databases (gnomAD no frequency). Disruption of this splice site has been observed in individual(s) with epileptic encephalopathy with cerebellar atrophy (PMID: 20110217). ClinVar contains an entry for this variant (Variation ID: 372551). Algorithms developed to predict the effect of sequence changes on RNA splicing suggest that this variant may disrupt the consensus splice site. For these reasons, this variant has been classified as Pathogenic.

GeneDx
Classification: Pathogenic. Last evaluated: 2016-11-22. Review status: criteria provided, single submitter. Criteria: GeneDx Variant Classification (06012015). Collection method: clinical testing. Allele origin: germline. Affected: yes.
Comment: The c.2589+1 G>T splice site variant in the SCN1A gene destroys the canonical splice donor site in intron 14. It is predicted to cause abnormal gene splicing, either leading to an abnormal message that is subject to nonsense-mediated mRNA decay, or to an abnormal protein product if the message is used for protein translation. It was not observed in approximately 6,500 individuals of European and African American ancestry in the NHLBI Exome Sequencing Project, indicating it is not a common benign variant in these populations. Although this pathogenic variant has not been previously reported to our knowledge, a different nucleotide change at the same position (c.2589+1 G>A) has been reported previously in an individual with severe myoclonic epilepsy of infancy (Arlier et al., 2010).

Cytogénomique, Hospices Civils de Lyon
Classification: Pathogenic for Generalized epilepsy with febrile seizures plus, type 2. Review status: criteria provided, single submitter. Criteria: ACMG Guidelines, 2015. Collection method: clinical testing. Allele origin: de novo. Inheritance: Autosomal dominant inheritance. Affected: yes.

Literature cited by the submitters: PubMed 16199547 (cited by Labcorp Genetics (formerly Invitae), Labcorp); PubMed 17347258 (cited by Labcorp Genetics (formerly Invitae), Labcorp); PubMed 18930999 (cited by Labcorp Genetics (formerly Invitae), Labcorp); PubMed 20110217 (cited by Labcorp Genetics (formerly Invitae), Labcorp).